The following is an entry in ClinVar:

NM_000512.5(GALNS):c.1177G>T (p.Ala393Ser)

Gene: GALNS (galactosamine (N-acetyl)-6-sulfatase; minus strand). Cytogenetic location: 16q24.3.
Variant type: single nucleotide variant.
Coding change: c.1177G>T on transcript NM_000512.5 (MANE Select); coding-DNA position 1177, G replaced by T.
Protein change: p.Ala393Ser; replaces alanine 393 with serine.
Molecular consequence: missense variant.
Genome position (GRCh38, 1-based): chr16:88,824,832, C>A on the plus strand (G>T on the coding strand, the complement: GALNS is on the minus strand). VCF-style: chr16-88824832-C-A. GRCh37 (hg19) VCF-style: chr16-88891240-C-A.
Other names: c.622G>T, p.Ala208Ser (NM_001323543.2); c.1195G>T, p.Ala399Ser (NM_001323544.2); short protein forms A393S, A208S, A399S.
Identifiers: ClinVar variation 93165 (VCV000093165.31), dbSNP rs2303269, ClinGen allele CA146711.

ClinVar aggregate classification (germline): Benign. Review status: criteria provided, multiple submitters, no conflicts (2 of 4 stars). 11 submissions from 11 submitters: Benign (10). 1 of the submissions does not count toward it. Last evaluated 2026-02-04.

Conditions:
Mucopolysaccharidosis, MPS-IV-A (MPS4A). Also called: MPS IVA; Mucopolysaccharidosis Type IVA; Morquio syndrome A, mild; MORQUIO A DISEASE; mucopolysaccharidosis type 4A; Mucopolysaccharidosis type IV A. Identifiers: Orphanet 309297, Orphanet 582, MedGen C0086651, MONDO:0009659, OMIM 253000.

Allele frequency attached by ClinVar (database versions not stated): ESP Exome Variant Server 0.04732; TOPMed 0.05351; 1000 Genomes Project 0.05851; gnomAD exomes 0.05192 and 0.06168; gnomAD 0.05170 and 0.05318; 1000 Genomes Project 30x 0.05793; ExAC 0.06225.
gnomAD v4.1: 84,085 of 1,613,270 alleles (5.2%); highest among the groups gnomAD compares: South Asian, 8.9%; 2,482 homozygotes.

Submissions (11):

Labcorp Genetics (formerly Invitae), Labcorp
Classification: Benign for Mucopolysaccharidosis, MPS-IV-A. Last evaluated: 2026-02-04. Review status: criteria provided, single submitter. Criteria: Invitae Variant Classification Sherloc (09022015). Collection method: clinical testing. Allele origin: germline.

Genomic Medicine Center of Excellence, King Faisal Specialist Hospital and Research Centre
Classification: Benign for Mucopolysaccharidosis, MPS-IV-A. Last evaluated: 2025-07-30. Review status: criteria provided, single submitter. Criteria: ACMG Guidelines, 2015. Collection method: clinical testing. Allele origin: germline.

Genome-Nilou Lab
Classification: Benign for Mucopolysaccharidosis, MPS-IV-A. Last evaluated: 2021-11-07. Review status: criteria provided, single submitter. Criteria: ACMG Guidelines, 2015. Collection method: clinical testing. Allele origin: germline. Affected: no.

Laboratory of Diagnosis and Therapy of Lysosomal Disorders, University of Padova
Classification: Benign for Mucopolysaccharidosis, MPS-IV-A. Last evaluated: 2021-02-01. Review status: criteria provided, single submitter. Criteria: ACMG Guidelines, 2015. Collection method: curation. Allele origin: germline.
Comment: Allele frequency is >5% in gnomAD v2.1.1 (BA1_stand-alone); allele frequency is greater than expected for disorder (BS1_strong); multiple lines of computational evidence suggest no impact on gene or gene product (BP4_supporting)

Women's Health and Genetics/Laboratory Corporation of America, LabCorp
Classification: Benign. Last evaluated: 2019-02-15. Review status: criteria provided, single submitter. Criteria: LabCorp Variant Classification Summary - May 2015. Collection method: clinical testing. Allele origin: germline.
Comment: Variant summary: GALNS c.1177G>T (p.Ala393Ser) results in a conservative amino acid change located in the Sulfatase, N-terminal domain of the encoded protein sequence. Five of five in-silico tools predict a benign effect of the variant on protein function. The variant allele was found at a frequency of 0.06 in 275882 control chromosomes in the gnomAD database, including 553 homozygotes. The observed variant frequency is approximately 29-folds higher than the estimated maximal expected allele frequency for a pathogenic variant in GALNS causing Mucopolysaccharidosis Type IVA (Morquio Syndrome A) phenotype (0.002), strongly suggesting that the variant is benign. Three ClinVar submissions from clinical diagnostic laboratories (evaluation after 2014) cite the variant as likely benign/benign. Based on the evidence outlined above, the variant was classified as benign.

GeneDx
Classification: Benign. Last evaluated: 2018-06-25. Review status: criteria provided, single submitter. Criteria: GeneDx Variant Classification Process June 2021. Collection method: clinical testing. Allele origin: germline. Affected: yes.
Comment: This variant is associated with the following publications: (PMID: 25252036, 24035930, 16837223, 21251309, 15235041, 15241807, 9452036)

Illumina Laboratory Services, Illumina
Classification: Benign for Mucopolysaccharidosis, MPS-IV-A. Last evaluated: 2018-01-13. Review status: criteria provided, single submitter. Criteria: ICSL Variant Classification Criteria 13 December 2019. Collection method: clinical testing. Allele origin: germline.
Comment: This variant was observed in the ICSL laboratory as part of a predisposition screen in an ostensibly healthy population. It had not been previously curated by ICSL or reported in the Human Gene Mutation Database (HGMD: prior to June 1st, 2018), and was therefore a candidate for classification through an automated scoring system. Utilizing variant allele frequency, disease prevalence and penetrance estimates, and inheritance mode, an automated score was calculated to assess if this variant is too frequent to cause the disease. Based on the score and internal cut-off values, a variant classified as benign is not then subjected to further curation. The score for this variant resulted in a classification of benign for this disease.

Eurofins Ntd Llc (ga)
Classification: Benign. Last evaluated: 2017-10-24. Review status: criteria provided, single submitter. Criteria: EGL Classification Definitions 2015. Collection method: clinical testing. Allele origin: germline. Observed: 23 variant alleles, 18 heterozygotes, 5 homozygotes.

Breakthrough Genomics
Classification: Benign. Review status: criteria provided, single submitter. Criteria: ACMG Guidelines, 2015. Collection method: not provided. Allele origin: germline. Inheritance: Autosomal recessive inheritance. Affected: yes.

PreventionGenetics, part of Exact Sciences
Classification: Benign. Review status: criteria provided, single submitter. Criteria: ACMG Guidelines, 2015. Collection method: clinical testing. Allele origin: germline.

Mayo Clinic Laboratories, Mayo Clinic
Classification: Benign. Last evaluated: 2015-10-22. Review status: no assertion criteria provided. Collection method: clinical testing. Allele origin: unknown. Not counted in ClinVar's aggregate classification.

Literature cited by the submitters: PubMed 32014045 (cited by Laboratory of Diagnosis and Therapy of Lysosomal Disorders, University of Padova); PubMed 34387910 (cited by Laboratory of Diagnosis and Therapy of Lysosomal Disorders, University of Padova).